The following is an entry in ClinVar:

ClinVar aggregate classification (germline): Likely benign. Review status: criteria provided, single submitter (1 of 4 stars). 2 submissions from 2 submitters: Likely benign (1). 1 of the submissions does not count toward it. Last evaluated 2023-12-30.

Conditions:
CHD2-related disorder. Also called: CHD2-related condition.
Developmental and epileptic encephalopathy 94 (DEE94). Also called: Epileptic encephalopathy, childhood-onset; CHD2-Related Neurodevelopmental Disorders. Identifiers: Orphanet 1942, Orphanet 2382, MedGen C3809278, MONDO:0014150, OMIM 615369.

Submissions (2):

Labcorp Genetics (formerly Invitae), Labcorp
Classification: Likely benign for Developmental and epileptic encephalopathy 94. Last evaluated: 2023-12-30. Review status: criteria provided, single submitter. Criteria: Invitae Variant Classification Sherloc (09022015). Collection method: clinical testing. Allele origin: germline.

PreventionGenetics, part of Exact Sciences
Classification: Uncertain significance for CHD2-related condition. Last evaluated: 2024-04-02. Review status: no assertion criteria provided. Collection method: clinical testing. Allele origin: germline. Not counted in ClinVar's aggregate classification.
Comment: The CHD2 c.4200_4208del9 variant is predicted to result in an in-frame deletion (p.Asn1400_Glu1402del). To our knowledge, this variant has not been reported in the literature. This variant is reported in 0.0063% of alleles in individuals of African descent in gnomAD. At this time, the clinical significance of this variant is uncertain due to the absence of conclusive functional and genetic evidence.

NM_001271.4(CHD2):c.4191CAAGGAGAA[1] (p.1397NKE[1])

Gene: CHD2 (chromodomain helicase DNA binding protein 2; plus strand). Cytogenetic location: 15q26.1.
Variant type: Microsatellite.
Coding change: c.4191CAAGGAGAA[1] on transcript NM_001271.4 (MANE Select); one copy of the 9-base unit CAAGGAGAA starting at c.4191; the reference has two copies in a row; one copy, 9 bases deleted.
Protein change: p.1397NKE[1].
Molecular consequence: inframe deletion.
Genome position (GRCh38, 1-based): chr15:93,002,239-93,002,247, CAAGGAGAA deleted; deleting any 9 consecutive bases within chr15:93,002,225-93,002,247 gives the same sequence; the position shown is the placement nearest the transcript's 3' end. VCF-style (leftmost placement, unchanged base first): chr15-93002224-AGAGAACAAG-A. GRCh37 (hg19) VCF-style: chr15-93545454-AGAGAACAAG-A.
Other names: c.4200_4208del9 (NM_001271.3).
Identifiers: ClinVar variation 833835 (VCV000833835.11), dbSNP rs779732210, ClinGen allele CA7748408.